The following is an entry in ClinVar:

NM_004946.3(DOCK2):c.3310C>T (p.Arg1104Trp)

Gene: DOCK2 (dedicator of cytokinesis 2; plus strand). Cytogenetic location: 5q35.1.
Variant type: single nucleotide variant.
Coding change: c.3310C>T on transcript NM_004946.3 (MANE Select); coding-DNA position 3310, C replaced by T.
Protein change: p.Arg1104Trp; replaces arginine 1104 with tryptophan.
Molecular consequence: missense variant. On other transcripts: non-coding transcript variant (1).
Genome position (GRCh38, 1-based): chr5:170,019,037, C>T. VCF-style: chr5-170019037-C-T. GRCh37 (hg19) VCF-style: chr5-169446041-C-T.
Other names: c.3310C>T, p.Arg1104Trp (LRG_1227t1); short protein forms R1104W.
Identifiers: ClinVar variation 199260 (VCV000199260.9), dbSNP rs780318765, ClinGen allele CA203827.
Genomic context (GRCh38, chr5:170,019,037, plus strand): 5'-TTCATCCCAGGCATGGTAGGACCTATATTAGAGATGACACTTATCCCTGAGGCTGAGCTC[C>T]GGAAAGCCACCATACCAATCTTCTTCGACATGATGCTGTGTGAATATCAAAGAAGTGGGG-3'
Protein context (NP_004937.1, residues 1094-1114): EMTLIPEAEL[Arg1104Trp]KATIPIFFDM

ClinVar aggregate classification (germline): Likely pathogenic. Review status: criteria provided, single submitter (1 of 4 stars). 2 submissions from 2 submitters: Likely pathogenic (1). 1 of the submissions does not count toward it. Last evaluated 2022-04-28.

Conditions:
DOCK2 deficiency. Also called: Immunodeficiency 40. Identifiers: Orphanet 447737, MedGen C4225328, MONDO:0014637, OMIM 616433.

Allele frequency attached by ClinVar (database versions not stated): ExAC 0.00001; gnomAD exomes 0.00001; TOPMed 0.00001.
gnomAD v4.1: 7 of 1,613,994 alleles (0.00043%); highest among the groups gnomAD compares: Non-Finnish European, 0.00051%; no homozygotes.

Submissions (2):

Labcorp Genetics (formerly Invitae), Labcorp
Classification: Likely pathogenic for DOCK2 deficiency. Last evaluated: 2022-04-28. Review status: criteria provided, single submitter. Criteria: Invitae Variant Classification Sherloc (09022015). Collection method: clinical testing. Allele origin: germline.
Comment: In summary, the currently available evidence indicates that the variant is pathogenic, but additional data are needed to prove that conclusively. Therefore, this variant has been classified as Likely Pathogenic. Experimental studies are conflicting or provide insufficient evidence to determine the effect of this variant on DOCK2 function (PMID: 26083206). Algorithms developed to predict the effect of missense changes on protein structure and function are either unavailable or do not agree on the potential impact of this missense change (SIFT: "Deleterious"; PolyPhen-2: "Probably Damaging"; Align-GVGD: "Class C0"). ClinVar contains an entry for this variant (Variation ID: 199260). This missense change has been observed in individual(s) with combined immunodeficiency (PMID: 26083206, 29204803; Invitae). In at least one individual the data is consistent with being in trans (on the opposite chromosome) from a pathogenic variant. This variant is present in population databases (rs780318765, gnomAD 0.01%). This sequence change replaces arginine, which is basic and polar, with tryptophan, which is neutral and slightly polar, at codon 1104 of the DOCK2 protein (p.Arg1104Trp).

OMIM
Classification: Pathogenic for IMMUNODEFICIENCY 40. Last evaluated: 2015-06-18. Review status: no assertion criteria provided. Collection method: literature only. Allele origin: germline. Not counted in ClinVar's aggregate classification.

Literature cited by the submitters: PubMed 26083206 (cited by Labcorp Genetics (formerly Invitae), Labcorp and OMIM); PubMed 29204803 (cited by Labcorp Genetics (formerly Invitae), Labcorp).